The following is an entry in ClinVar:

GRCh37/hg19 20p12.1(chr20:12740904-13338489)x1

Genes: ISM1 (isthmin 1; plus strand), SPTLC3 (serine palmitoyltransferase long chain base subunit 3; plus strand). Cytogenetic location: 20p12.1.
Variant type: copy number loss.
Change: copy number 1 (one copy instead of two) of chr20:12,740,904-13,338,489 (597.6 kb, GRCh37 coordinates, 1-based), cytogenetic band 20p12.1.
Identifiers: ClinVar variation 1328445 (VCV001328445.4).

ClinVar aggregate classification (germline): Uncertain significance (1 of 4 stars; one submission).

Submission:

Illumina Laboratory Services, Illumina
Classification: Uncertain significance. Last evaluated: 2021-06-29. Review status: criteria provided, single submitter. Criteria: ICSL CNVClassificationCriteria Aug2020. Collection method: clinical testing. Allele origin: unknown.
Comment: This CNV is an inherited 598 kb deletion of 20p12.1 on chromosome 20, (seq[GRCh37]del(20)(p12.1); chr20:g.12740904_13338489del). This CNV constitutes a loss that includes six genes, two of which, ISM1 and SPTLC3, are protein coding genes. Neither the proximal nor distal breakpoint lies within a gene. A similar 613 kb deletion is reported in the DECIPHER database in an individual with a phenotype that includes abnormality of the nervous system, speech delay, intellectual disability, recurrent infections, visual impairments, and was inherited from an unaffected parent (Firth et al. 2009). Lansdon et al. (2018) identified similar deletions of 517 kb and 603 kb in two unrelated individuals with cleft lip and/or palate. The 603 kb deletion was also identified in three unaffected family members, including the father and two brothers. Based on the available evidence, this CNV is classified as a variant of uncertain significance.

Literature cited by the submitters: PubMed 19344873; PubMed 29162626.